The following is an entry in ClinVar:

ClinVar aggregate classification (germline): Likely benign. Review status: criteria provided, multiple submitters, no conflicts (2 of 4 stars). 2 submissions from 2 submitters: Likely benign (2). Last evaluated 2026-04-01.

Conditions:
Multiple congenital anomalies-hypotonia-seizures syndrome 1 (MCAHS1). Also called: GLYCOSYLPHOSPHATIDYLINOSITOL BIOSYNTHESIS DEFECT 3; PIGN-CDG; Congenital disorder of glycosylation due to PIGN deficiency. Identifiers: Orphanet 280633, MedGen C3279775, MONDO:0013563, OMIM 614080.

Allele frequency attached by ClinVar (database versions not stated): gnomAD exomes below 0.00001; gnomAD 0.00001; ExAC 0.00005.
gnomAD v4.1: 3 of 1,524,004 alleles (0.0002%); highest among the groups gnomAD compares: Middle Eastern, 0.017%; no homozygotes.

Submissions (2):

CeGaT Center for Human Genetics Tuebingen
Classification: Likely benign. Last evaluated: 2026-04-01. Review status: criteria provided, single submitter. Criteria: CeGaT Center For Human Genetics Tuebingen Variant Classification Criteria Version 2. Collection method: clinical testing. Allele origin: germline. Affected: yes. Observed: 1 variant allele.
Comment: PIGN: BP4, BP7

Labcorp Genetics (formerly Invitae), Labcorp
Classification: Likely benign for Multiple congenital anomalies-hypotonia-seizures syndrome 1. Last evaluated: 2024-02-05. Review status: criteria provided, single submitter. Criteria: Invitae Variant Classification Sherloc (09022015). Collection method: clinical testing. Allele origin: germline.

NM_176787.5(PIGN):c.1218A>G (p.Arg406=)

Gene: PIGN (phosphatidylinositol glycan anchor biosynthesis class N; minus strand). Cytogenetic location: 18q21.33.
Variant type: single nucleotide variant.
Coding change: c.1218A>G on transcript NM_176787.5 (MANE Select); coding-DNA position 1218, A replaced by G.
Protein change: p.Arg406=; no amino-acid change (arginine 406 retained).
Molecular consequence: synonymous variant.
Genome position (GRCh38, 1-based): chr18:62,114,594, T>C on the plus strand (A>G on the coding strand, the complement: PIGN is on the minus strand). VCF-style: chr18-62114594-T-C. GRCh37 (hg19) VCF-style: chr18-59781827-T-C.
Other names: c.1218A>G, p.Arg406= (NM_012327.6).
Identifiers: ClinVar variation 2733803 (VCV002733803.5), dbSNP rs767412304, ClinGen allele CA8982352.
Genomic context (GRCh38, chr18:62,114,594, plus strand): 5'-TTATGTCTATAAGGCCGGTATACTTACCACTTCATCAAACTTTCTGTGTTTTATATAAGA[T>C]CTTGCTTTTCTTAAAATGTTGAACTGTTTGGAATCAGAAAGCAGTCTATATATAAAAAAA-3'
Protein context (NP_789744.1, residues 396-416): SKQFNILRKA[Arg406=]SYIKHRKFDE